The following is an entry in ClinVar:

ClinVar aggregate classification (germline): Pathogenic (1 of 4 stars; one submission).

Conditions:
Inborn genetic diseases. Identifiers: MedGen C0950123, MeSH D030342.

Submission:

Ambry Genetics
Classification: Pathogenic for Inborn genetic diseases. Last evaluated: 2024-10-24. Review status: criteria provided, single submitter. Criteria: Ambry Variant Classification Scheme 2023. Collection method: clinical testing. Allele origin: germline.
Comment: The c.375delC (p.E127Kfs*12) alteration, located in exon 5 (coding exon 5) of the MAP4K4 gene, consists of a deletion of one nucleotide at position 375, causing a translational frameshift with a predicted alternate stop codon after 12 amino acids. This alteration is expected to result in loss of function by premature protein truncation or nonsense-mediated mRNA decay. This variant was not reported in population-based cohorts in the Genome Aggregation Database (gnomAD). Based on the available evidence, this alteration is classified as pathogenic.

NM_001395002.1(MAP4K4):c.375del (p.Glu127fs)

Gene: MAP4K4 (mitogen-activated protein kinase kinase kinase kinase 4; plus strand). Cytogenetic location: 2q11.2.
Variant type: Deletion.
Coding change: c.375del on transcript NM_001395002.1 (MANE Select); coding-DNA position 375, one base deleted (C; older notation c.375delC).
Protein change: p.Glu127fs; shifts the reading frame from glutamic acid 127.
Molecular consequence: frameshift variant. On other transcripts: non-coding transcript variant (4).
Genome position (GRCh38, 1-based): chr2:101,825,387, C deleted. VCF-style (leftmost placement, unchanged base first): chr2-101825386-TC-T. GRCh37 (hg19) VCF-style: chr2-102441848-TC-T.
Other names: c.375del, p.Glu127fs (NM_001242559.2, NM_001242560.2, NM_001384476.1 and 28 more transcripts); c.348del, p.Glu118fs (NM_001384549.1, NM_001384550.1, NM_001384551.1 and 16 more transcripts); short protein forms E127fs, E118fs.
Identifiers: ClinVar variation 3543006 (VCV003543006.1).